The following is an entry in ClinVar:

NC_000003.11:g.(?_30732892)_(30733091_?)del

Gene: TGFBR2 (transforming growth factor beta receptor 2; plus strand). Cytogenetic location: 3p24.1.
Variant type: Deletion.
Identifiers: ClinVar variation 2424664 (VCV002424664.3).

ClinVar aggregate classification (germline): Uncertain significance (1 of 4 stars; one submission).

Conditions:
Familial thoracic aortic aneurysm and aortic dissection (TAAD). Also called: Thoracic aortic aneurysms and dissections. Identifiers: Orphanet 91387, MedGen C4707243, MONDO:0019625.

Submission:

Labcorp Genetics (formerly Invitae), Labcorp
Classification: Uncertain significance for Familial thoracic aortic aneurysm and aortic dissection. Last evaluated: 2021-09-12. Review status: criteria provided, single submitter. Criteria: Invitae Variant Classification Sherloc (09022015). Collection method: clinical testing. Allele origin: germline.
Comment: This variant is a gross deletion of the genomic region encompassing exon(s) 7 of the TGFBR2 gene, which includes the termination codon. This deletion extends beyond the assayed region for this gene and therefore may encompass additional genes. While this deletion is not anticipated to lead to nonsense mediated decay, it is expected to alter mRNA translation or result in a truncated protein product. A similar copy number variant has been observed in individual(s) with clinical features of TGFBR2-related conditions (Invitae). Experimental studies and prediction algorithms are not available or were not evaluated, and the functional significance of this variant is currently unknown. In summary, the available evidence is currently insufficient to determine the role of this variant in disease. Therefore, it has been classified as a Variant of Uncertain Significance.